The following is an entry in ClinVar:

ClinVar aggregate classification (germline): Uncertain significance (1 of 4 stars; one submission).

Allele frequency attached by ClinVar (database versions not stated): ExAC 0.00001; gnomAD exomes 0.00001.
gnomAD v4.1: 6 of 1,614,234 alleles (0.00037%); highest among the groups gnomAD compares: East Asian, 0.0022%; no homozygotes.

Submission:

Labcorp Genetics (formerly Invitae), Labcorp
Classification: Uncertain significance. Last evaluated: 2021-03-25. Review status: criteria provided, single submitter. Criteria: Invitae Variant Classification Sherloc (09022015). Collection method: clinical testing. Allele origin: germline.
Comment: Algorithms developed to predict the effect of missense changes on protein structure and function are either unavailable or do not agree on the potential impact of this missense change (SIFT: "Deleterious"; PolyPhen-2: "Benign"; Align-GVGD: "Class C25"). In summary, the available evidence is currently insufficient to determine the role of this variant in disease. Therefore, it has been classified as a Variant of Uncertain Significance. This variant has not been reported in the literature in individuals with ASAH1-related conditions. This variant is present in population databases (rs753964094, ExAC 0.001%). This sequence change replaces valine with alanine at codon 316 of the ASAH1 protein (p.Val316Ala). The valine residue is highly conserved and there is a small physicochemical difference between valine and alanine.

NM_177924.5(ASAH1):c.947T>C (p.Val316Ala)

Gene: ASAH1 (N-acylsphingosine amidohydrolase 1; minus strand). Cytogenetic location: 8p22.
Variant type: single nucleotide variant.
Coding change: c.947T>C on transcript NM_177924.5 (MANE Select); coding-DNA position 947, T replaced by C.
Protein change: p.Val316Ala; replaces valine 316 with alanine.
Molecular consequence: missense variant.
Genome position (GRCh38, 1-based): chr8:18,059,435, A>G on the plus strand (T>C on the coding strand, the complement: ASAH1 is on the minus strand). VCF-style: chr8-18059435-A-G. GRCh37 (hg19) VCF-style: chr8-17916944-A-G.
Other names: c.929T>C, p.Val310Ala (NM_001127505.3); c.752T>C, p.Val251Ala (NM_001363743.2); c.995T>C, p.Val332Ala (NM_004315.6); short protein forms V316A, V332A, V251A, V310A.
Identifiers: ClinVar variation 1421505 (VCV001421505.6), dbSNP rs753964094, ClinGen allele CA4650614.
Genomic context (GRCh38, chr8:18,059,435, plus strand): 5'-GGCGTTCTGCGATCATCAAGGAAGAAGGGATGTTTCCAACGGTCATAATTTGTTTGTACC[A>G]CATACCATCTACCCTGCTTAGCATCGAGTCTAGATACAAAAGGAGAGATTCCCTCTTAGG-3'
Protein context (NP_808592.2, residues 306-326): ELDAKQGRWY[Val316Ala]VQTNYDRWKH